The following is an entry in ClinVar:

ClinVar aggregate classification (germline): Benign/Likely benign. Review status: criteria provided, multiple submitters, no conflicts (2 of 4 stars). 3 submissions from 3 submitters: Benign (1); Likely benign (1). 1 of the submissions does not count toward it. Last evaluated 2025-05-08.

Conditions:
Regional enteritis. Also called: Enteritis, Granulomatous. Identifiers: MedGen C0678202, MeSH D003424.
Blau syndrome (BLAUS). Also called: ARTHROCUTANEOUVEAL GRANULOMATOSIS; GRANULOMATOSIS, FAMILIAL JUVENILE SYSTEMIC; GRANULOMATOSIS, FAMILIAL, BLAU TYPE; GRANULOMATOUS INFLAMMATORY ARTHRITIS, DERMATITIS, AND UVEITIS, FAMILIAL; JABS SYNDROME. Identifiers: Orphanet 90340, MedGen C5201146, MONDO:0008523, OMIM 186580.
NOD2-related disorder. Also called: NOD2-related condition.

Allele frequency attached by ClinVar (database versions not stated): ExAC 0.00004; gnomAD 0.00005; gnomAD exomes 0.00006; TOPMed 0.00006.
gnomAD v4.1: 34 of 1,613,988 alleles (0.0021%); highest among the groups gnomAD compares: East Asian, 0.04%; no homozygotes.

Submissions (3):

Labcorp Genetics (formerly Invitae), Labcorp
Classification: Benign for Regional enteritis; Blau syndrome. Last evaluated: 2025-05-08. Review status: criteria provided, single submitter. Criteria: Invitae Variant Classification Sherloc (09022015). Collection method: clinical testing. Allele origin: germline.

Blueprint Genetics
Classification: Likely benign. Last evaluated: 2024-09-12. Review status: criteria provided, single submitter. Criteria: ACMG Guidelines, 2015. Collection method: clinical testing. Allele origin: germline.

PreventionGenetics, part of Exact Sciences
Classification: Likely benign for NOD2-related condition. Last evaluated: 2019-08-26. Review status: no assertion criteria provided. Collection method: clinical testing. Allele origin: germline. Not counted in ClinVar's aggregate classification.
Comment: This variant is classified as likely benign based on ACMG/AMP sequence variant interpretation guidelines (Richards et al. 2015 PMID: 25741868, with internal and published modifications).

NM_001370466.1(NOD2):c.2160C>T (p.Tyr720=)

Gene: NOD2 (nucleotide binding oligomerization domain containing 2; plus strand). Cytogenetic location: 16q12.1.
Variant type: single nucleotide variant.
Coding change: c.2160C>T on transcript NM_001370466.1 (MANE Select); coding-DNA position 2160, C replaced by T.
Protein change: p.Tyr720=; no amino-acid change (tyrosine 720 retained).
Molecular consequence: synonymous variant. On other transcripts: non-coding transcript variant (1).
Genome position (GRCh38, 1-based): chr16:50,712,152, C>T. VCF-style: chr16-50712152-C-T. GRCh37 (hg19) VCF-style: chr16-50746063-C-T.
Other names: c.2160C>T, p.Tyr720= (NM_001293557.2); c.2241C>T, p.Tyr747= (NM_022162.3); c.2241C>T (NM_022162.2).
Identifiers: ClinVar variation 1607190 (VCV001607190.11), dbSNP rs751417475, ClinGen allele CA8051734.